The following is an entry in ClinVar:

ClinVar aggregate classification (germline): Uncertain significance (1 of 4 stars; one submission).

Submission:

GeneDx
Classification: Uncertain significance. Last evaluated: 2025-01-03. Review status: criteria provided, single submitter. Criteria: GeneDx Variant Classification Process June 2021. Collection method: clinical testing. Allele origin: germline. Affected: yes.
Comment: Not observed at significant frequency in large population cohorts (gnomAD); Missense variants in this gene are a common cause of disease and they are underrepresented in the general population; In silico analysis indicates that this missense variant does not alter protein structure/function; Has not been previously published as pathogenic or benign to our knowledge; This variant is associated with the following publications: (PMID: 29493581)

NM_002880.4(RAF1):c.296T>A (p.Phe99Tyr)

Gene: RAF1 (Raf-1 proto-oncogene, serine/threonine kinase; minus strand). Cytogenetic location: 3p25.2.
Variant type: single nucleotide variant.
Coding change: c.296T>A on transcript NM_002880.4 (MANE Select); coding-DNA position 296, T replaced by A.
Protein change: p.Phe99Tyr; replaces phenylalanine 99 with tyrosine.
Molecular consequence: missense variant. On other transcripts: non-coding transcript variant (3), intron variant (4).
Genome position (GRCh38, 1-based): chr3:12,611,974, A>T on the plus strand (T>A on the coding strand, the complement: RAF1 is on the minus strand). VCF-style: chr3-12611974-A-T. GRCh37 (hg19) VCF-style: chr3-12653473-A-T.
Other names: c.296T>A, p.Phe99Tyr (NM_001354689.3, NM_001354690.3, NM_001354693.3); c.78-2639T>A (NM_001354695.3, NM_001354692.3, NM_001354694.3 and 1 more transcripts); short protein forms F99Y.
Identifiers: ClinVar variation 4055914 (VCV004055914.1).